The following is an entry in ClinVar:

NM_177438.3(DICER1):c.472G>A (p.Val158Ile)

Gene: DICER1 (dicer 1, ribonuclease III; minus strand). Cytogenetic location: 14q32.13.
Variant type: single nucleotide variant.
Coding change: c.472G>A on transcript NM_177438.3 (MANE Select); coding-DNA position 472, G replaced by A.
Protein change: p.Val158Ile; replaces valine 158 with isoleucine.
Molecular consequence: missense variant. On other transcripts: 5 prime UTR variant (1), non-coding transcript variant (6), intron variant (1).
Genome position (GRCh38, 1-based): chr14:95,130,159, C>T on the plus strand (G>A on the coding strand, the complement: DICER1 is on the minus strand). VCF-style: chr14-95130159-C-T. GRCh37 (hg19) VCF-style: chr14-95596496-C-T.
Other names: c.472G>A, p.Val158Ile (NM_001195573.1, NM_001271282.3, NM_001291628.2 and 14 more transcripts); c.190G>A, p.Val64Ile (NM_001395686.1); c.67G>A, p.Val23Ile (NM_001395687.1, NM_001395688.1, NM_001395689.1 and 3 more transcripts); c.-1097G>A (NM_001395697.1); c.-20-76G>A (NM_001395691.1); short protein forms V158I, V23I, V64I.
Identifiers: ClinVar variation 5035221 (VCV005035221.1).
Genomic context (GRCh38, chr14:95,130,159, plus strand): 5'-GACACTCATCAAACACCAAAAGGTTAATGTCTGACAGTGATAAGTAACCATTTTTCAAAA[C>T]ATTCAAGGCGACATAGCAAGTCATAATGAGAACCTAAAATAAAATCAACATCAGTAAACA-3'
Protein context (NP_803187.1, residues 148-168): LIMTCYVALN[Val158Ile]LKNGYLSLSD

ClinVar aggregate classification (germline): Uncertain significance (1 of 4 stars; one submission).

Conditions:
Hereditary cancer-predisposing syndrome. Also called: Hereditary Cancer Syndrome; Neoplastic Syndromes, Hereditary; Tumor predisposition; Hereditary neoplastic syndrome. Identifiers: Orphanet 140162, MedGen C0027672, MeSH D009386, MONDO:0015356.

Submission:

Ambry Genetics
Classification: Uncertain significance for Hereditary cancer-predisposing syndrome. Last evaluated: 2026-07-07. Review status: criteria provided, single submitter. Criteria: Ambry Variant Classification Scheme 2023. Collection method: clinical testing. Allele origin: germline.
Comment: The p.V158I variant (also known as c.472G>A), located in coding exon 4 of the DICER1 gene, results from a G to A substitution at nucleotide position 472. The valine at codon 158 is replaced by isoleucine, an amino acid with highly similar properties. This amino acid position is conserved. In addition, this alteration is predicted to be tolerated by in silico analysis. Based on the available evidence, the clinical significance of this variant remains unclear.